The following is an entry in ClinVar:

NM_000975.5(RPL11):c.*52A>G

Gene: RPL11 (ribosomal protein L11; plus strand). Cytogenetic location: 1p36.11.
Variant type: single nucleotide variant.
Coding change: c.*52A>G on transcript NM_000975.5 (MANE Select); 52 bases downstream of the stop codon, A replaced by G.
Molecular consequence: 3 prime UTR variant.
Genome position (GRCh38, 1-based): chr1:23,696,425, A>G. VCF-style: chr1-23696425-A-G. GRCh37 (hg19) VCF-style: chr1-24022915-A-G.
Other names: c.*52A>G (LRG_1140t1, NM_001199802.1).
Identifiers: ClinVar variation 296822 (VCV000296822.7), dbSNP rs60606712, ClinGen allele CA684326.

ClinVar aggregate classification (germline): Benign. Review status: criteria provided, multiple submitters, no conflicts (2 of 4 stars). 3 submissions from 3 submitters: Benign (3). Last evaluated 2018-01-13.

Conditions:
Diamond-Blackfan anemia 7 (DBA7). Also called: RPL11-Related Diamond-Blackfan Anemia. Identifiers: Orphanet 124, MedGen C2675512, MONDO:0012938, OMIM 612562.

Allele frequency attached by ClinVar (database versions not stated): gnomAD exomes 0.00161 and 0.00353; ExAC 0.00396; gnomAD 0.01048 and 0.01119; 1000 Genomes Project 0.01138; TOPMed 0.01174; 1000 Genomes Project 30x 0.01202; ESP Exome Variant Server 0.01224.
gnomAD v4.1: 4,012 of 1,563,298 alleles (0.26%); highest among the groups gnomAD compares: African/African-American, 3.4%; 63 homozygotes.

Submissions (3):

Illumina Laboratory Services, Illumina
Classification: Benign for Diamond-Blackfan anemia 7. Last evaluated: 2018-01-13. Review status: criteria provided, single submitter. Criteria: ICSL Variant Classification Criteria 13 December 2019. Collection method: clinical testing. Allele origin: germline.
Comment: This variant was observed in the ICSL laboratory as part of a predisposition screen in an ostensibly healthy population. It had not been previously curated by ICSL or reported in the Human Gene Mutation Database (HGMD: prior to June 1st, 2018), and was therefore a candidate for classification through an automated scoring system. Utilizing variant allele frequency, disease prevalence and penetrance estimates, and inheritance mode, an automated score was calculated to assess if this variant is too frequent to cause the disease. Based on the score and internal cut-off values, a variant classified as benign is not then subjected to further curation. The score for this variant resulted in a classification of benign for this disease.

GeneDx
Classification: Benign. Last evaluated: 2015-03-03. Review status: criteria provided, single submitter. Criteria: GeneDx Variant Classification Process June 2021. Collection method: clinical testing. Allele origin: germline. Affected: yes.

Breakthrough Genomics
Classification: Benign. Review status: criteria provided, single submitter. Criteria: ACMG Guidelines, 2015. Collection method: not provided. Allele origin: germline. Inheritance: Autosomal dominant inheritance. Affected: yes.